The following is an entry in ClinVar:

NM_032382.5(COG8):c.1128C>G (p.Ile376Met)

Gene: COG8 (component of oligomeric golgi complex 8; minus strand). Cytogenetic location: 16q22.1.
Variant type: single nucleotide variant.
Coding change: c.1128C>G on transcript NM_032382.5 (MANE Select); coding-DNA position 1128, C replaced by G.
Protein change: p.Ile376Met; replaces isoleucine 376 with methionine.
Molecular consequence: missense variant.
Genome position (GRCh38, 1-based): chr16:69,334,806, G>C on the plus strand (C>G on the coding strand, the complement: COG8 is on the minus strand). VCF-style: chr16-69334806-G-C. GRCh37 (hg19) VCF-style: chr16-69368709-G-C.
Other names: c.1128C>G (NM_032382.4); c.1128C>G, p.Ile376Met (NM_001374871.1, NM_001379261.1, NM_001379262.1 and 4 more transcripts); short protein forms I376M.
Identifiers: ClinVar variation 1451058 (VCV001451058.9), dbSNP rs772243923, ClinGen allele CA8133781.

ClinVar aggregate classification (germline): Uncertain significance. Review status: criteria provided, multiple submitters, no conflicts (2 of 4 stars). 2 submissions from 2 submitters: Uncertain significance (2). Last evaluated 2025-11-19.

Conditions:
Inborn genetic diseases. Identifiers: MedGen C0950123, MeSH D030342.
COG8-congenital disorder of glycosylation. Also called: COG8-CDG; CDG IIh. Identifiers: Orphanet 95428, MedGen C1970021, MONDO:0012635, OMIM 611182.

Allele frequency attached by ClinVar (database versions not stated): gnomAD exomes below 0.00001 and 0.00001; ExAC 0.00001; gnomAD 0.00003 and 0.00004; TOPMed 0.00008.

Submissions (2):

Ambry Genetics
Classification: Uncertain significance for Inborn genetic diseases. Last evaluated: 2025-11-19. Review status: criteria provided, single submitter. Criteria: Ambry Variant Classification Scheme 2023. Collection method: clinical testing. Allele origin: germline.

Labcorp Genetics (formerly Invitae), Labcorp
Classification: Uncertain significance for COG8-congenital disorder of glycosylation. Last evaluated: 2022-02-04. Review status: criteria provided, single submitter. Criteria: Invitae Variant Classification Sherloc (09022015). Collection method: clinical testing. Allele origin: germline.
Comment: This sequence change replaces isoleucine, which is neutral and non-polar, with methionine, which is neutral and non-polar, at codon 376 of the COG8 protein (p.Ile376Met). This variant is present in population databases (rs772243923, gnomAD 0.01%). This variant has not been reported in the literature in individuals affected with COG8-related conditions. Algorithms developed to predict the effect of missense changes on protein structure and function (SIFT, PolyPhen-2, Align-GVGD) all suggest that this variant is likely to be tolerated. In summary, the available evidence is currently insufficient to determine the role of this variant in disease. Therefore, it has been classified as a Variant of Uncertain Significance.